The following is an entry in ClinVar:

NM_006073.4(TRDN):c.817A>G (p.Met273Val)

Gene: TRDN (triadin; minus strand). Cytogenetic location: 6q22.31.
Variant type: single nucleotide variant.
Coding change: c.817A>G on transcript NM_006073.4 (MANE Select); coding-DNA position 817, A replaced by G.
Protein change: p.Met273Val; replaces methionine 273 with valine.
Molecular consequence: missense variant. On other transcripts: intron variant (2).
Genome position (GRCh38, 1-based): chr6:123,497,229, T>C on the plus strand (A>G on the coding strand, the complement: TRDN is on the minus strand). VCF-style: chr6-123497229-T-C. GRCh37 (hg19) VCF-style: chr6-123818374-T-C.
Other names: c.817A>G, p.Met273Val (NM_001251987.2); c.793+6490A>G (NM_001407315.1, NM_001256020.2); short protein forms M273V.
Identifiers: ClinVar variation 3225253 (VCV003225253.1), dbSNP rs1285647021, ClinGen allele CA365567318.

ClinVar aggregate classification (germline): Uncertain significance (1 of 4 stars; one submission).

Conditions:
Cardiovascular phenotype. Identifiers: MedGen CN230736.

Allele frequency attached by ClinVar (database versions not stated): TOPMed below 0.00001; gnomAD exomes 0.00002.
gnomAD v4.1: 23 of 1,557,682 alleles (0.0015%); highest among the groups gnomAD compares: Non-Finnish European, 0.002%; no homozygotes.

Submission:

Ambry Genetics
Classification: Uncertain significance for Cardiovascular phenotype. Last evaluated: 2024-01-16. Review status: criteria provided, single submitter. Criteria: Ambry Variant Classification Scheme 2023. Collection method: clinical testing. Allele origin: germline.
Comment: The p.M273V variant (also known as c.817A>G), located in coding exon 9 of the TRDN gene, results from an A to G substitution at nucleotide position 817. The methionine at codon 273 is replaced by valine, an amino acid with highly similar properties. This amino acid position is conserved. In addition, this alteration is predicted to be tolerated by in silico analysis. Since supporting evidence is limited at this time, the clinical significance of this alteration remains unclear.